The following is an entry in ClinVar:

NM_015100.4(POGZ):c.4103C>A (p.Thr1368Asn)

Gene: POGZ (pogo transposable element derived with ZNF domain; minus strand). Cytogenetic location: 1q21.3.
Variant type: single nucleotide variant.
Coding change: c.4103C>A on transcript NM_015100.4 (MANE Select); coding-DNA position 4103, C replaced by A.
Protein change: p.Thr1368Asn; replaces threonine 1368 with asparagine.
Molecular consequence: missense variant.
Genome position (GRCh38, 1-based): chr1:151,404,932, G>T on the plus strand (C>A on the coding strand, the complement: POGZ is on the minus strand). VCF-style: chr1-151404932-G-T. GRCh37 (hg19) VCF-style: chr1-151377408-G-T.
Other names: c.4076C>A, p.Thr1359Asn (NM_001194937.2); c.3917C>A, p.Thr1306Asn (NM_001194938.2); c.4124C>A, p.Thr1375Asn (NM_001410860.1); c.3818C>A, p.Thr1273Asn (NM_145796.4); c.3944C>A, p.Thr1315Asn (NM_207171.2); short protein forms T1368N, T1315N, T1375N, T1273N, T1306N, T1359N.
Identifiers: ClinVar variation 1737869 (VCV001737869.2), dbSNP rs138705914, ClinGen allele CA341934374.

ClinVar aggregate classification (germline): Uncertain significance (1 of 4 stars; one submission).

Conditions:
Inborn genetic diseases. Identifiers: MedGen C0950123, MeSH D030342.

Submission:

Ambry Genetics
Classification: Uncertain significance for Inborn genetic diseases. Last evaluated: 2017-01-10. Review status: criteria provided, single submitter. Criteria: Ambry Variant Classification Scheme 2023. Collection method: clinical testing. Allele origin: germline.
Comment: The p.T1368N variant (also known as c.4103C>A), located in coding exon 18 of the POGZ gene, results from a C to A substitution at nucleotide position 4103. The threonine at codon 1368 is replaced by asparagine, an amino acid with similar properties. This amino acid position is not well conserved in available vertebrate species. In addition, this alteration is predicted to be tolerated by in silico analysis. Since supporting evidence is limited at this time, the clinical significance of this alteration remains unclear.